The following is an entry in ClinVar:

NM_006080.3(SEMA3A):c.37G>C (p.Gly13Arg)

Gene: SEMA3A (semaphorin 3A; minus strand). Cytogenetic location: 7q21.11.
Variant type: single nucleotide variant.
Coding change: c.37G>C on transcript NM_006080.3 (MANE Select); coding-DNA position 37, G replaced by C.
Protein change: p.Gly13Arg; replaces glycine 13 with arginine.
Molecular consequence: missense variant.
Genome position (GRCh38, 1-based): chr7:84,194,550, C>G on the plus strand (G>C on the coding strand, the complement: SEMA3A is on the minus strand). VCF-style: chr7-84194550-C-G. GRCh37 (hg19) VCF-style: chr7-83823866-C-G.
Other names: short protein forms G13R.
Identifiers: ClinVar variation 3344236 (VCV003344236.1).

ClinVar aggregate classification (germline): Uncertain significance (0 of 4 stars; one submission).

Conditions:
SEMA3A-related disorder. Also called: SEMA3A-related condition.

gnomAD v4.1: 31 of 1,613,222 alleles (0.0019%); highest among the groups gnomAD compares: Non-Finnish European, 0.0026%; no homozygotes.

Submission:

PreventionGenetics, part of Exact Sciences
Classification: Uncertain significance for SEMA3A-related condition. Last evaluated: 2024-08-27. Review status: no assertion criteria provided. Collection method: clinical testing. Allele origin: germline.
Comment: The SEMA3A c.37G>C variant is predicted to result in the amino acid substitution p.Gly13Arg. To our knowledge, this variant has not been reported in the literature. This variant is reported in 0.00088% of alleles in individuals of European (Non-Finnish) descent in gnomAD. At this time, the clinical significance of this variant is uncertain due to the absence of conclusive functional and genetic evidence.